The following is an entry in ClinVar:

ClinVar aggregate classification (germline): Likely benign. Review status: criteria provided, multiple submitters, no conflicts (2 of 4 stars). 3 submissions from 3 submitters: Likely benign (2). 1 of the submissions does not count toward it. Last evaluated 2026-09-01.

Conditions:
BCL11A-related disorder. Also called: BCL11A-related condition.

Allele frequency attached by ClinVar (database versions not stated): ExAC 0.00010; gnomAD exomes 0.00010; TOPMed 0.00010; gnomAD 0.00012.
gnomAD v4.1: 109 of 1,614,058 alleles (0.0068%); highest among the groups gnomAD compares: Middle Eastern, 0.16%; 1 homozygote.

Submissions (3):

CeGaT Center for Human Genetics Tuebingen
Classification: Likely benign. Last evaluated: 2026-09-01. Review status: criteria provided, single submitter. Criteria: CeGaT Center For Human Genetics Tuebingen Variant Classification Criteria Version 2. Collection method: clinical testing. Allele origin: germline. Affected: yes. Observed: 1 variant allele.
Comment: BCL11A: BP4, BP7

Labcorp Genetics (formerly Invitae), Labcorp
Classification: Likely benign. Last evaluated: 2018-06-11. Review status: criteria provided, single submitter. Criteria: Invitae Variant Classification Sherloc (09022015). Collection method: clinical testing. Allele origin: germline.

PreventionGenetics, part of Exact Sciences
Classification: Likely benign for BCL11A-related condition. Last evaluated: 2019-07-29. Review status: no assertion criteria provided. Collection method: clinical testing. Allele origin: germline. Not counted in ClinVar's aggregate classification.
Comment: This variant is classified as likely benign based on ACMG/AMP sequence variant interpretation guidelines (Richards et al. 2015 PMID: 25741868, with internal and published modifications).

NM_022893.4(BCL11A):c.222C>T (p.Ser74=)

Gene: BCL11A (BCL11 transcription factor A; minus strand). Cytogenetic location: 2p16.1.
Variant type: single nucleotide variant.
Coding change: c.222C>T on transcript NM_022893.4 (MANE Select); coding-DNA position 222, C replaced by T.
Protein change: p.Ser74=; no amino-acid change (serine 74 retained).
Molecular consequence: synonymous variant.
Genome position (GRCh38, 1-based): chr2:60,546,134, G>A on the plus strand (C>T on the coding strand, the complement: BCL11A is on the minus strand). VCF-style: chr2-60546134-G-A. GRCh37 (hg19) VCF-style: chr2-60773269-G-A.
Other names: c.222C>T, p.Ser74= (NM_001363864.1, NM_001365609.1, NM_018014.4 and 1 more transcripts).
Identifiers: ClinVar variation 750361 (VCV000750361.6), dbSNP rs764771964, ClinGen allele CA1671303.
Genomic context (GRCh38, chr2:60,546,134, plus strand): 5'-TTTTTTCATCTCGATTGGTGAAGGGGAAGGTGGCTTATCCACAGCTTTTTCTAAGCAGAG[G>A]CTGCCATTGCATTGTTTCCGTTTGTGCTCGATAAAAATAAGAATGTCCCCCAATGGGAAG-3'
Protein context (NP_075044.2, residues 64-84): IEHKRKQCNG[Ser74=]LCLEKAVDKP